The following is an entry in ClinVar:

ClinVar aggregate classification (germline): Uncertain significance (1 of 4 stars; one submission).

Conditions:
Hereditary cancer-predisposing syndrome. Also called: Neoplastic Syndromes, Hereditary; Tumor predisposition; Hereditary neoplastic syndrome; Hereditary Cancer Syndrome. Identifiers: Orphanet 140162, MedGen C0027672, MeSH D009386, MONDO:0015356.

Submission:

Ambry Genetics
Classification: Uncertain significance for Hereditary cancer-predisposing syndrome. Last evaluated: 2023-02-13. Review status: criteria provided, single submitter. Criteria: Ambry Variant Classification Scheme 2023. Collection method: clinical testing. Allele origin: germline.
Comment: The p.A1342V variant (also known as c.4025C>T), located in coding exon 20 of the MET gene, results from a C to T substitution at nucleotide position 4025. The alanine at codon 1342 is replaced by valine, an amino acid with similar properties. This amino acid position is not well conserved in available vertebrate species. In addition, this alteration is predicted to be tolerated by in silico analysis. Since supporting evidence is limited at this time, the clinical significance of this alteration remains unclear.

NM_000245.4(MET):c.3971C>T (p.Ala1324Val)

Gene: MET (MET proto-oncogene, receptor tyrosine kinase; plus strand). Cytogenetic location: 7q31.2.
Variant type: single nucleotide variant.
Coding change: c.3971C>T on transcript NM_000245.4 (MANE Select); coding-DNA position 3971, C replaced by T.
Protein change: p.Ala1324Val; replaces alanine 1324 with valine.
Molecular consequence: missense variant.
Genome position (GRCh38, 1-based): chr7:116,795,922, C>T. VCF-style: chr7-116795922-C-T. GRCh37 (hg19) VCF-style: chr7-116435976-C-T.
Other names: c.4025C>T, p.Ala1342Val (NM_001127500.3); c.2681C>T, p.Ala894Val (NM_001324402.2); short protein forms A1324V, A1342V, A894V.
Identifiers: ClinVar variation 2453405 (VCV002453405.2), dbSNP rs2117110911, ClinGen allele CA369118126.
Genomic context (GRCh38, chr7:116,795,922, plus strand): 5'-CAGCATGTCTTTCTTTTTGGAACAGATATGAAGTAATGCTAAAATGCTGGCACCCTAAAG[C>T]CGAAATGCGCCCATCCTTTTCTGAACTGGTGTCCCGGATATCAGCGATCTTCTCTACTTT-3'
Protein context (NP_000236.2, residues 1314-1334): EVMLKCWHPK[Ala1324Val]EMRPSFSELV